The following is an entry in ClinVar:

ClinVar aggregate classification (germline): Likely benign (0 of 4 stars; one submission).

Conditions:
ACSL6-related disorder. Also called: ACSL6-related condition.

Allele frequency attached by ClinVar (database versions not stated): gnomAD 0.00008; TOPMed 0.00011; ExAC 0.00026; gnomAD exomes 0.00027; 1000 Genomes Project 30x 0.00047; 1000 Genomes Project 0.00060.
gnomAD v4.1: 403 of 1,606,662 alleles (0.025%); highest among the groups gnomAD compares: East Asian, 0.86%; 6 homozygotes.

Submission:

PreventionGenetics, part of Exact Sciences
Classification: Likely benign for ACSL6-related condition. Last evaluated: 2019-03-20. Review status: no assertion criteria provided. Collection method: clinical testing. Allele origin: germline.
Comment: This variant is classified as likely benign based on ACMG/AMP sequence variant interpretation guidelines (Richards et al. 2015 PMID: 25741868, with internal and published modifications).

NM_001009185.3(ACSL6):c.51G>A (p.Glu17=)

Gene: ACSL6 (acyl-CoA synthetase long chain family member 6; minus strand). Cytogenetic location: 5q31.1.
Variant type: single nucleotide variant.
Coding change: c.51G>A on transcript NM_001009185.3 (MANE Select); coding-DNA position 51, G replaced by A.
Protein change: p.Glu17=; no amino-acid change (glutamic acid 17 retained).
Molecular consequence: synonymous variant. On other transcripts: 5 prime UTR variant (13), non-coding transcript variant (3).
Genome position (GRCh38, 1-based): chr5:131,994,250, C>T on the plus strand (G>A on the coding strand, the complement: ACSL6 is on the minus strand). VCF-style: chr5-131994250-C-T. GRCh37 (hg19) VCF-style: chr5-131329943-C-T.
Other names: c.51G>A, p.Glu17= (NM_001205247.2, NM_001405477.1, NM_001405485.1 and 2 more transcripts); c.-25G>A (NM_001205248.2, NM_001205251.2, NM_001405475.1 and 10 more transcripts); c.9G>A, p.Glu3= (NM_001205250.1, NM_001405478.1); c.21G>A, p.Glu7= (NM_001405476.1).
Identifiers: ClinVar variation 3052080 (VCV003052080.2), dbSNP rs77931625, ClinGen allele CA3401866.
Genomic context (GRCh38, chr5:131,994,250, plus strand): 5'-CAGTCGCAGTATCCTCAGGATCTCCTGTGTCTGCATCTTCTCCAGAAGTGAGAGGACAAA[C>T]TCTGTTGAAAACAAGAGTCAGATAAGGCAAGAGACCTGACGGGCAGGTTAGGGAGGGGTC-3'
Protein context (NP_001009185.1, residues 7-27): VSGGSLWLFV[Glu17=]FVLSLLEKMQ